The following is an entry in ClinVar:

ClinVar aggregate classification (germline): Conflicting classifications of pathogenicity. Review status: criteria provided, conflicting classifications (1 of 4 stars). 6 submissions from 5 submitters: Pathogenic (4); Uncertain significance (1). 1 of the submissions does not count toward it. Last evaluated 2025-07-07.

Conditions:
Congenital myopathy. Identifiers: Orphanet 97245, MedGen C0270960, MONDO:0019952.
Muscular dystrophy, congenital, with cataracts and impaired intellectual development. Also called: Congenital muscular dystrophy with cataracts and intellectual disability. Identifiers: Orphanet 662184, MedGen C4479410, MONDO:0024607, OMIM 617404.
Congenital muscular dystrophy. Identifiers: Orphanet 97242, MedGen C0699743, MONDO:0019950. Disease mechanism: loss of function.
Muscular dystrophy-dystroglycanopathy (congenital with impaired intellectual development), type B, 1. Also called: Muscular dystrophy-dystroglycanopathy (congenital with intellectual disability), type B1; MUSCULAR DYSTROPHY, CONGENITAL, POMT1-RELATED. Identifiers: MedGen C5436962, MONDO:0013159, OMIM 613155.

Allele frequency attached by ClinVar (database versions not stated): gnomAD exomes below 0.00001 and 0.00001.
gnomAD v4.1: 8 of 1,609,652 alleles (0.0005%); highest among the groups gnomAD compares: South Asian, 0.0066%; no homozygotes.

Submissions (6):

Dasa
Classification: Pathogenic. Last evaluated: 2025-07-07. Review status: criteria provided, single submitter. Criteria: DASA Assertion Criteria. Collection method: clinical testing. Allele origin: germline.
Comment: NM_016532.4(INPP5K):c.149T>C (p.Ile50Thr) introduces an isoleucine-to-threonine substitution supported by functional studies and recurrent observation in individuals with autosomal recessive congenital muscular dystrophy with cataracts and intellectual disability (PMID: 28190456). Based on the available data, this variant is classified as pathogenic.

GeneDx
Classification: Pathogenic. Last evaluated: 2022-10-25. Review status: criteria provided, single submitter. Criteria: GeneDx Variant Classification Process June 2021. Collection method: clinical testing. Allele origin: germline. Affected: yes.
Comment: Published functional studies demonstrate a damaging effect, as the variant showed decreased enzymatic activity and failed to rescue autophagy-dependent depletion of lysosomes compared to the wildtype protein (Wiessner et al., 2017; McGrath et al., 2021); Not observed at significant frequency in large population cohorts (gnomAD); In silico analysis supports that this missense variant has a deleterious effect on protein structure/function; This variant is associated with the following publications: (PMID: 33792664, 28190456, 33119550, 28940338, 32528171)

Cambridge Genomics Laboratory, East Genomic Laboratory Hub, NHS Genomic Medicine Service
Classification: Pathogenic for Congenital muscular dystrophy. Last evaluated: 2020-01-11. Review status: criteria provided, single submitter. Criteria: ACGS Best Practice Guidelines for Variant Classification in Rare Disease 2020. Collection method: clinical testing. Allele origin: germline. Affected: yes. Observed: 1 variant allele.

Cambridge Genomics Laboratory, East Genomic Laboratory Hub, NHS Genomic Medicine Service
Classification: Pathogenic for Congenital myopathy. Last evaluated: 2019-12-07. Review status: criteria provided, single submitter. Criteria: ACGS Best Practice Guidelines for Variant Classification in Rare Disease 2020. Collection method: clinical testing. Allele origin: germline. Affected: yes. Observed: 1 variant allele.

Neuberg Centre For Genomic Medicine, NCGM
Classification: Uncertain significance for Muscular dystrophy-dystroglycanopathy (congenital with impaired intellectual development), type B, 1. Review status: criteria provided, single submitter. Criteria: ACMG Guidelines, 2015. Collection method: clinical testing. Allele origin: germline. Inheritance: Autosomal recessive inheritance. Affected: yes.
Comment: This variant has also been observed to segregate with disease in related individuals. Published functional studies demonstrate a damaging effect, as the variant showed decreased enzymatic activity and failed to rescue autophagy-dependent depletion of lysosomes compared to the wildtype protein (McGrath MJ, et al., 2021; Yousaf S, et al., 2018; Wiessner M, et al., 2017). For these reasons, the variant has been classified as Pathogenic.

OMIM
Classification: Pathogenic for MUSCULAR DYSTROPHY, CONGENITAL, WITH CATARACTS AND IMPAIRED INTELLECTUAL DEVELOPMENT. Last evaluated: 2024-10-03. Review status: no assertion criteria provided. Collection method: literature only. Allele origin: germline. Not counted in ClinVar's aggregate classification.

Literature cited by the submitters: PubMed 28190456 (cited by Dasa and OMIM); PubMed 28940338 (cited by Dasa); PubMed 33119550 (cited by Dasa).

NM_016532.4(INPP5K):c.149T>C (p.Ile50Thr)

Gene: INPP5K (inositol polyphosphate-5-phosphatase K; minus strand). Cytogenetic location: 17p13.3.
Variant type: single nucleotide variant.
Coding change: c.149T>C on transcript NM_016532.4 (MANE Select); coding-DNA position 149, T replaced by C.
Protein change: p.Ile50Thr; replaces isoleucine 50 with threonine.
Molecular consequence: missense variant. On other transcripts: 5 prime UTR variant (2).
Genome position (GRCh38, 1-based): chr17:1,513,875, A>G on the plus strand (T>C on the coding strand, the complement: INPP5K is on the minus strand). VCF-style: chr17-1513875-A-G. GRCh37 (hg19) VCF-style: chr17-1417169-A-G.
Other names: c.-80T>C (NM_001135642.2, NM_130766.3); short protein forms I50T.
Identifiers: ClinVar variation 417777 (VCV000417777.5), dbSNP rs1060505038, ClinGen allele CA16616875.